The following is an entry in ClinVar:

NM_001371727.1(GABRB2):c.197T>C (p.Ile66Thr)

Gene: GABRB2 (gamma-aminobutyric acid type A receptor subunit beta2; minus strand). Cytogenetic location: 5q34.
Variant type: single nucleotide variant.
Coding change: c.197T>C on transcript NM_001371727.1 (MANE Select); coding-DNA position 197, T replaced by C.
Protein change: p.Ile66Thr; replaces isoleucine 66 with threonine.
Molecular consequence: missense variant.
Genome position (GRCh38, 1-based): chr5:161,545,267, A>G on the plus strand (T>C on the coding strand, the complement: GABRB2 is on the minus strand). VCF-style: chr5-161545267-A-G. GRCh37 (hg19) VCF-style: chr5-160972273-A-G.
Other names: c.197T>C, p.Ile66Thr (NM_000813.3, NM_021911.3); short protein forms I66T.
Identifiers: ClinVar variation 1014138 (VCV001014138.12), dbSNP rs1760943617, ClinGen allele CA362172455.

ClinVar aggregate classification (germline): Uncertain significance (1 of 4 stars; one submission).

Conditions:
Intellectual disability. Also called: Intellectual functioning disability; intellectual disabilities; Intellectual developmental disorder. Identifiers: MedGen C3714756, MeSH D008607, MONDO:0001071, HP:0001249.

Submission:

Labcorp Genetics (formerly Invitae), Labcorp
Classification: Uncertain significance for Intellectual disability. Last evaluated: 2020-01-08. Review status: criteria provided, single submitter. Criteria: Invitae Variant Classification Sherloc (09022015). Collection method: clinical testing. Allele origin: germline.
Comment: In summary, the available evidence is currently insufficient to determine the role of this variant in disease. Therefore, it has been classified as a Variant of Uncertain Significance. Algorithms developed to predict the effect of missense changes on protein structure and function are either unavailable or do not agree on the potential impact of this missense change (SIFT: "Deleterious"; PolyPhen-2: "Benign"; Align-GVGD: "Class C0"). This variant has not been reported in the literature in individuals with GABRB2-related conditions. This variant is not present in population databases (ExAC no frequency). This sequence change replaces isoleucine with threonine at codon 66 of the GABRB2 protein (p.Ile66Thr). The isoleucine residue is highly conserved and there is a moderate physicochemical difference between isoleucine and threonine.